The following is an entry in ClinVar:

NM_001845.6(COL4A1):c.4843G>A (p.Glu1615Lys)

Gene: COL4A1 (collagen type IV alpha 1 chain; minus strand). Cytogenetic location: 13q34.
Variant type: single nucleotide variant.
Coding change: c.4843G>A on transcript NM_001845.6 (MANE Select); coding-DNA position 4843, G replaced by A.
Protein change: p.Glu1615Lys; replaces glutamic acid 1615 with lysine.
Molecular consequence: missense variant.
Genome position (GRCh38, 1-based): chr13:110,152,419, C>T on the plus strand (G>A on the coding strand, the complement: COL4A1 is on the minus strand). VCF-style: chr13-110152419-C-T. GRCh37 (hg19) VCF-style: chr13-110804766-C-T.
Other names: c.4843G>A (NM_001845.5); short protein forms E1615K.
Identifiers: ClinVar variation 982405 (VCV000982405.6), dbSNP rs1876543576, ClinGen allele CA388654322.

ClinVar aggregate classification (germline): Pathogenic/Likely pathogenic. Review status: criteria provided, multiple submitters, no conflicts (2 of 4 stars). 4 submissions from 3 submitters: Pathogenic (1); Likely pathogenic (1). 2 of the submissions do not count toward it. Last evaluated 2026-01-05.

Conditions:
COL4A1-related disorder. Also called: COL4A1-related disorders; COL4A1-related condition. Identifiers: MedGen CN376119, MONDO:0800461.
Brain small vessel disease 1 with or without ocular anomalies (BSVD1). Also called: BRAIN SMALL VESSEL DISEASE WITH HEMORRHAGE; GOULD SYNDROME 1; PORENCEPHALY, TYPE 1, AUTOSOMAL DOMINANT; Brain small vessel disease with or without ocular anomalies. Identifiers: Orphanet 2940, Orphanet 36383, Orphanet 99810, MedGen C4755307, MONDO:0008289, OMIM 175780.

Submissions (4):

Department of Medical Genetics/Prenatal Diagnostic Center, West China Second University Hospital, Sichuan University
Classification: Likely pathogenic for Brain small vessel disease 1 with or without ocular anomalies. Last evaluated: 2026-01-05. Review status: criteria provided, single submitter. Criteria: ACMG Guidelines, 2015. Collection method: clinical testing. Allele origin: de novo. Affected: yes.
Comment: The COL4A1 c.4843G>A (p.Glu1615Lys) variant is a missense change. This variant is absent from population databases (gnomAD v4.1.0). The variant occurred de novo (confirmed by parental Sanger sequencing). The same de novo variant has been previously reported in an individual with COL4A1/2-related brain defects (PMID: 32732225). Therefore, this variant is classified as Likely Pathogenic according to the recommendation of ACMG/AMP guideline.

Equipe Genetique des Anomalies du Developpement, Université de Bourgogne
Classification: Pathogenic. Last evaluated: 2020-08-28. Review status: criteria provided, single submitter. Criteria: ACMG Guidelines, 2015. Collection method: clinical testing. Allele origin: de novo. Affected: yes.

PreventionGenetics, part of Exact Sciences
Classification: Likely pathogenic for COL4A1-related condition. Last evaluated: 2024-05-13. Review status: no assertion criteria provided. Collection method: clinical testing. Allele origin: germline. Not counted in ClinVar's aggregate classification.
Comment: The COL4A1 c.4843G>A variant is predicted to result in the amino acid substitution p.Glu1615Lys. This variant has been reported as de novo in an individual with COL4A1/2-related brain defects, which were observed both during prenatal and postnatal development (Itai et al. 2021. PubMed ID: 32732225). This variant has also been observed in an individual (inheritance not determined) with bilateral porencephaly and other COL4A1-related symptoms (Yoneda et al. 2013. PubMed ID: 23225343; Nakamura et al. 2021. PubMed ID: 34281745). This variant has not been reported in a large population database, indicating this variant is rare. This variant is interpreted as likely pathogenic.

Equipe Genetique des Anomalies du Developpement, Université de Bourgogne
Classification: Pathogenic for Brain small vessel disease 1 with or without ocular anomalies. Last evaluated: 2020-08-28. Review status: no assertion criteria provided. Collection method: clinical testing. Allele origin: de novo. Affected: yes. Not counted in ClinVar's aggregate classification.

Literature cited by the submitters: PubMed 32732225 (cited by Department of Medical Genetics/Prenatal Diagnostic Center, West China Second University Hospital, Sichuan University and Equipe Genetique des Anomalies du Developpement, Université de Bourgogne).